The following is an entry in ClinVar:

NM_001972.4(ELANE):c.91G>A (p.Val31Met)

Gene: ELANE (elastase, neutrophil expressed; plus strand). Cytogenetic location: 19p13.3.
Variant type: single nucleotide variant.
Coding change: c.91G>A on transcript NM_001972.4 (MANE Select); coding-DNA position 91, G replaced by A.
Protein change: p.Val31Met; replaces valine 31 with methionine.
Molecular consequence: missense variant.
Genome position (GRCh38, 1-based): chr19:852,899, G>A. VCF-style: chr19-852899-G-A. GRCh37 (hg19) VCF-style: chr19-852899-G-A.
Other names: short protein forms V31M.
Identifiers: ClinVar variation 1423973 (VCV001423973.6), dbSNP rs2145143909, ClinGen allele CA402914349.

ClinVar aggregate classification (germline): Uncertain significance (1 of 4 stars; one submission).

Conditions:
Neutropenia, severe congenital, 1, autosomal dominant. Identifiers: MedGen C1859966, MONDO:0042490, OMIM 202700.
Cyclical neutropenia. Also called: Cyclic hematopoiesis; Cyclic Neutropenia. Identifiers: Orphanet 2686, MedGen C0221023, MONDO:0008090, OMIM 162800, HP:0040289. Disease mechanism: loss of function.

Submission:

Labcorp Genetics (formerly Invitae), Labcorp
Classification: Uncertain significance for Neutropenia, severe congenital, 1, autosomal dominant; Cyclical neutropenia. Last evaluated: 2022-02-10. Review status: criteria provided, single submitter. Criteria: Invitae Variant Classification Sherloc (09022015). Collection method: clinical testing. Allele origin: germline.
Comment: Algorithms developed to predict the effect of missense changes on protein structure and function are either unavailable or do not agree on the potential impact of this missense change (SIFT: "Deleterious"; PolyPhen-2: "Probably Damaging"; Align-GVGD: "Class C0"). In summary, the available evidence is currently insufficient to determine the role of this variant in disease. Therefore, it has been classified as a Variant of Uncertain Significance. This variant has not been reported in the literature in individuals affected with ELANE-related conditions. This sequence change replaces valine, which is neutral and non-polar, with methionine, which is neutral and non-polar, at codon 31 of the ELANE protein (p.Val31Met). This variant is not present in population databases (gnomAD no frequency).